The following is an entry in ClinVar:

NM_000531.6(OTC):c.806G>A (p.Gly269Glu)

Gene: OTC (ornithine transcarbamylase; plus strand). Cytogenetic location: Xp11.4.
Variant type: single nucleotide variant.
Coding change: c.806G>A on transcript NM_000531.6 (MANE Select); coding-DNA position 806, G replaced by A.
Protein change: p.Gly269Glu; replaces glycine 269 with glutamic acid.
Molecular consequence: missense variant.
Genome position (GRCh38, 1-based): chrX:38,408,964, G>A. VCF-style: chrX-38408964-G-A. GRCh37 (hg19) VCF-style: chrX-38268217-G-A.
Other names: short protein forms G269E.
Identifiers: ClinVar variation 97334 (VCV000097334.9), dbSNP rs72558450, ClinGen allele CA224800.

ClinVar aggregate classification (germline): Pathogenic. Review status: criteria provided, single submitter (1 of 4 stars). 2 submissions from 2 submitters: Pathogenic (1). 1 of the submissions does not count toward it. Last evaluated 2023-08-17.

Conditions:
Ornithine carbamoyltransferase deficiency (OTCD). Also called: ORNITHINE TRANSCARBAMYLASE DEFICIENCY, HYPERAMMONEMIA DUE TO; ORNITHINE TRANSCARBAMYLASE DEFICIENCY; OTC DEFICIENCY; Ornithine Carbamoyltransferase Deficiency Disease. Identifiers: Orphanet 664, MedGen C0268542, MONDO:0010703, OMIM 311250.

Submissions (2):

Labcorp Genetics (formerly Invitae), Labcorp
Classification: Pathogenic for Ornithine carbamoyltransferase deficiency. Last evaluated: 2023-08-17. Review status: criteria provided, single submitter. Criteria: Invitae Variant Classification Sherloc (09022015). Collection method: clinical testing. Allele origin: germline.
Comment: This variant is not present in population databases (gnomAD no frequency). This sequence change replaces glycine, which is neutral and non-polar, with glutamic acid, which is acidic and polar, at codon 269 of the OTC protein (p.Gly269Glu). This missense change has been observed in individual(s) with ornithine transcarbamylase deficiency (PMID: 7474905, 24449986; Invitae). For these reasons, this variant has been classified as Pathogenic. This variant disrupts the p.Gly269 amino acid residue in OTC. Other variant(s) that disrupt this residue have been observed in individuals with OTC-related conditions (PMID: 28266016, 30285816), which suggests that this may be a clinically significant amino acid residue. Advanced modeling of protein sequence and biophysical properties (such as structural, functional, and spatial information, amino acid conservation, physicochemical variation, residue mobility, and thermodynamic stability) performed at Invitae indicates that this missense variant is expected to disrupt OTC protein function. ClinVar contains an entry for this variant (Variation ID: 97334).

GenMed Metabolism Lab
Classification: Pathogenic. Review status: no assertion criteria provided. Collection method: not provided. Allele origin: unknown. Not counted in ClinVar's aggregate classification.
Comment: p.Gly269Glu, Neonatal
ClinVar note: Converted during submission from pathogenic to Pathogenic.

Literature cited by the submitters: PubMed 7474905 (cited by Labcorp Genetics (formerly Invitae), Labcorp); PubMed 24449986 (cited by Labcorp Genetics (formerly Invitae), Labcorp); PubMed 28266016 (cited by Labcorp Genetics (formerly Invitae), Labcorp); PubMed 30285816 (cited by Labcorp Genetics (formerly Invitae), Labcorp).